The following is an entry in ClinVar:

ClinVar aggregate classification (germline): Conflicting classifications of pathogenicity. Review status: criteria provided, conflicting classifications (1 of 4 stars). 7 submissions from 6 submitters: Uncertain significance (2); Benign (1); Likely benign (4). Last evaluated 2026-06-24.

Conditions:
COL5A1-related disorder. Also called: COL5A1-related condition.
Fibromuscular dysplasia, multifocal. Identifiers: MedGen C5543412, MONDO:0859151, OMIM 619329.
Ehlers-Danlos syndrome, classic type, 1 (EDSCL1). Also called: EHLERS-DANLOS SYNDROME, GRAVIS TYPE; EHLERS-DANLOS SYNDROME, SEVERE CLASSIC TYPE; Ehlers-Danlos Syndrome, Classic Type, COL5A1-Related; Ehlers-Danlos syndrome, type 1; EDS I. Identifiers: MedGen C0268335, MONDO:0019567, OMIM 130000.
Ehlers-Danlos syndrome, classic type (cEDS). Identifiers: Orphanet 287, MedGen C4225429, MONDO:0007522.

Allele frequency attached by ClinVar (database versions not stated): ExAC 0.00003; gnomAD exomes 0.00003 and 0.00009; TOPMed 0.00005; gnomAD 0.00008 and 0.00009.
gnomAD v4.1: 142 of 1,613,206 alleles (0.0088%); highest among the groups gnomAD compares: Non-Finnish European, 0.011%; no homozygotes.

Submissions (7):

PreventionGenetics, part of Exact Sciences
Classification: Likely benign for COL5A1-related condition. Last evaluated: 2026-06-24. Review status: criteria provided, single submitter. Criteria: ACMG Guidelines, 2015. Collection method: clinical testing. Allele origin: germline.
Comment: This variant is classified as likely benign based on ACMG/AMP sequence variant interpretation guidelines (Richards et al. 2015 PMID: 25741868, with internal and published modifications).

Women's Health and Genetics/Laboratory Corporation of America, LabCorp
Classification: Likely benign. Last evaluated: 2026-04-17. Review status: criteria provided, single submitter. Criteria: LabCorp Variant Classification Summary - May 2015. Collection method: clinical testing. Allele origin: germline.

Labcorp Genetics (formerly Invitae), Labcorp
Classification: Likely benign for Ehlers-Danlos syndrome, classic type, 1. Last evaluated: 2025-12-15. Review status: criteria provided, single submitter. Criteria: Invitae Variant Classification Sherloc (09022015). Collection method: clinical testing. Allele origin: germline.

Blueprint Genetics
Classification: Likely benign. Last evaluated: 2024-08-27. Review status: criteria provided, single submitter. Criteria: ACMG Guidelines, 2015. Collection method: clinical testing. Allele origin: germline.

Center for Genomics, Ann and Robert H. Lurie Children's Hospital of Chicago
Classification: Uncertain significance for Ehlers-Danlos syndrome, classic type, 1. Last evaluated: 2018-06-16. Review status: criteria provided, single submitter. Criteria: ACMG Guidelines, 2015. Collection method: clinical testing. Allele origin: germline.
Comment: COL5A1 NM_000093.4 exon 51 (c.4068+7G>A): This variant has not been reported in the literature but is present in 10/125162 European alleles in the Genome Aggregation Database. This variant is present in ClinVar (Variation ID:136888). Evolutionary conservation and computational predictive tools for this variant are limited or unavailable. Although this variant occurs in the splice region, computational prediction tools do not suggest that it may alter splicing. However, further studies are needed to understand its impact. In summary, data on this variant is insufficient for disease classification. Therefore, the clinical significance of this variant is uncertain.

GeneDx
Classification: Benign. Last evaluated: 2013-10-22. Review status: criteria provided, single submitter. Criteria: GeneDx Variant Classification (06012015). Collection method: clinical testing. Allele origin: germline. Affected: yes.
Comment: This variant is considered likely benign or benign based on one or more of the following criteria: it is a conservative change, it occurs at a poorly conserved position in the protein, it is predicted to be benign by multiple in silico algorithms, and/or has population frequency not consistent with disease.

Center for Genomics, Ann and Robert H. Lurie Children's Hospital of Chicago
Classification: Uncertain significance for Ehlers-Danlos syndrome, classic type, 1; Fibromuscular dysplasia, multifocal. Review status: criteria provided, single submitter. Criteria: ACMG Guidelines, 2015. Collection method: clinical testing. Allele origin: germline.
Comment: the same text as in the submission from Center for Genomics, Ann and Robert H. Lurie Children's Hospital of Chicago above.

NM_000093.5(COL5A1):c.4068+7G>A

Gene: COL5A1 (collagen type V alpha 1 chain; plus strand). Cytogenetic location: 9q34.3.
Variant type: single nucleotide variant.
Coding change: c.4068+7G>A on transcript NM_000093.5 (MANE Select); 7 bases into the intron after coding-DNA position 4068, G replaced by A.
Molecular consequence: intron variant.
Genome position (GRCh38, 1-based): chr9:134,815,636, G>A. VCF-style: chr9-134815636-G-A. GRCh37 (hg19) VCF-style: chr9-137707482-G-A.
Other names: c.4068+7G>A (NM_001278074.1).
Identifiers: ClinVar variation 136888 (VCV000136888.20), dbSNP rs587780905, ClinGen allele CA290271.